The following is an entry in ClinVar:

NM_001374828.1(ARID1B):c.5084C>G (p.Ser1695Cys)

Gene: ARID1B (AT-rich interaction domain 1B; plus strand). Cytogenetic location: 6q25.3.
Variant type: single nucleotide variant.
Coding change: c.5084C>G on transcript NM_001374828.1 (MANE Select); coding-DNA position 5084, C replaced by G.
Protein change: p.Ser1695Cys; replaces serine 1695 with cysteine.
Molecular consequence: missense variant.
Genome position (GRCh38, 1-based): chr6:157,201,309, C>G. VCF-style: chr6-157201309-C-G. GRCh37 (hg19) VCF-style: chr6-157522443-C-G.
Other names: c.4835C>G, p.Ser1612Cys (NM_001346813.1); c.2585C>G, p.Ser862Cys (NM_001363725.2); c.4964C>G, p.Ser1655Cys (NM_001371656.1, NM_001374820.1); c.4925C>G, p.Ser1642Cys (NM_017519.3); c.4715C>G, p.Ser1572Cys (NM_020732.3); c.4502C>G, p.Ser1501Cys (NM_175863.2); short protein forms S1572C, S1501C, S1612C, S1642C, S862C, S1655C, S1695C.
Identifiers: ClinVar variation 2230572 (VCV002230572.2), dbSNP rs2538686814, ClinGen allele CA366242465.

ClinVar aggregate classification (germline): Uncertain significance (1 of 4 stars; one submission).

Conditions:
Inborn genetic diseases. Identifiers: MedGen C0950123, MeSH D030342.

Submission:

Ambry Genetics
Classification: Uncertain significance for Inborn genetic diseases. Last evaluated: 2021-05-18. Review status: criteria provided, single submitter. Criteria: Ambry Variant Classification Scheme 2023. Collection method: clinical testing. Allele origin: germline.
Comment: The c.4715C>G (p.S1572C) alteration is located in exon 18 (coding exon 18) of the ARID1B gene. This alteration results from a C to G substitution at nucleotide position 4715, causing the serine (S) at amino acid position 1572 to be replaced by a cysteine (C). The p.S1572C alteration is predicted to be tolerated by in silico analysis. Based on insufficient or conflicting evidence, the clinical significance of this alteration remains unclear.